The following is an entry in ClinVar:

NM_006892.4(DNMT3B):c.886G>A (p.Val296Ile)

Gene: DNMT3B (DNA methyltransferase 3 beta; plus strand). Cytogenetic location: 20q11.21.
Variant type: single nucleotide variant.
Coding change: c.886G>A on transcript NM_006892.4 (MANE Select); coding-DNA position 886, G replaced by A.
Protein change: p.Val296Ile; replaces valine 296 with isoleucine.
Molecular consequence: missense variant.
Genome position (GRCh38, 1-based): chr20:32,791,673, G>A. VCF-style: chr20-32791673-G-A. GRCh37 (hg19) VCF-style: chr20-31379479-G-A.
Other names: c.760G>A, p.Val254Ile (NM_001207055.2); c.658G>A, p.Val220Ile (NM_001207056.2); c.886G>A, p.Val296Ile (NM_175848.2, NM_175849.2); c.922G>A, p.Val308Ile (NM_175850.3); short protein forms V296I, V254I, V308I, V220I.
Identifiers: ClinVar variation 423264 (VCV000423264.21), dbSNP rs145632647, ClinGen allele CA9810330.

ClinVar aggregate classification (germline): Conflicting classifications of pathogenicity. Review status: criteria provided, conflicting classifications (1 of 4 stars). 7 submissions from 7 submitters: Uncertain significance (6); Likely benign (1). Last evaluated 2026-01-24.

Conditions:
Centromeric instability of chromosomes 1,9 and 16 and immunodeficiency (ICF1). Also called: Immunodeficiency-centromeric instability-facial anomalies; IMMUNE DEFICIENCY, VARIABLE, WITH CENTROMERIC INSTABILITY OF CHROMOSOMES 1, 9, AND 16; IMMUNODEFICIENCY SYNDROME, VARIABLE; CENTROMERIC INSTABILITY, IMMUNODEFICIENCY SYNDROME. Identifiers: Orphanet 2268, MedGen C0398788, MONDO:0000133.
Immunodeficiency-centromeric instability-facial anomalies syndrome 1 (ICF1). Identifiers: Orphanet 2268, MedGen C4551557, MONDO:0009454, OMIM 242860.
Facioscapulohumeral muscular dystrophy 4, digenic. Identifiers: MedGen C5561960, MONDO:0030355, OMIM 619478.

Allele frequency attached by ClinVar (database versions not stated): ExAC 0.00053; 1000 Genomes Project 0.00060; 1000 Genomes Project 30x 0.00062; ESP Exome Variant Server 0.00077; TOPMed 0.00078; gnomAD 0.00085 and 0.00091.

Submissions (7):

Labcorp Genetics (formerly Invitae), Labcorp
Classification: Likely benign for Centromeric instability of chromosomes 1,9 and 16 and immunodeficiency. Last evaluated: 2026-01-24. Review status: criteria provided, single submitter. Criteria: Invitae Variant Classification Sherloc (09022015). Collection method: clinical testing. Allele origin: germline.

ARUP Laboratories, Molecular Genetics and Genomics, ARUP Laboratories
Classification: Uncertain significance. Last evaluated: 2025-01-07. Review status: criteria provided, single submitter. Criteria: ARUP Molecular Germline Variant Investigation Process 2024. Collection method: clinical testing. Allele origin: germline.
Comment: The DNMT3B c.886G>A; p.Val296Ile variant (rs145632647), to our knowledge, is not reported in the medical literature but is reported in ClinVar (Variation ID: 423264). This variant is found in the Ashkenazi Jewish population with an allele frequency of 0.955% (99/10370 alleles) in the Genome Aggregation Database (v2.1.1). Computational analyses predict that this variant is neutral (REVEL: 0.073). Due to limited information, the clinical significance of this variant is uncertain at this time.

Revvity Omics, Revvity
Classification: Uncertain significance. Last evaluated: 2024-06-07. Review status: criteria provided, single submitter. Criteria: ACMG Guidelines, 2015. Collection method: clinical testing. Allele origin: germline.

Fulgent Genetics
Classification: Uncertain significance for Immunodeficiency-centromeric instability-facial anomalies syndrome 1; Facioscapulohumeral muscular dystrophy 4, digenic. Last evaluated: 2024-03-28. Review status: criteria provided, single submitter. Criteria: ACMG Guidelines, 2015. Collection method: clinical testing. Allele origin: germline.

Department of Pathology and Laboratory Medicine, Sinai Health System
Classification: Uncertain significance for immunodeficiency-centromeric instability-facial anomalies syndrome 1. Last evaluated: 2021-07-30. Review status: criteria provided, single submitter. Criteria: ACMG Guidelines, 2015. Collection method: research. Allele origin: germline.

GeneDx
Classification: Uncertain significance. Last evaluated: 2020-10-20. Review status: criteria provided, single submitter. Criteria: GeneDx Variant Classification Process June 2021. Collection method: clinical testing. Allele origin: germline. Affected: yes.
Comment: In silico analysis, which includes protein predictors and evolutionary conservation, supports that this variant does not alter protein structure/function; Has not been previously published as pathogenic or benign to our knowledge

Illumina Laboratory Services, Illumina
Classification: Uncertain significance for Immunodeficiency-centromeric instability-facial anomalies syndrome 1. Last evaluated: 2018-01-12. Review status: criteria provided, single submitter. Criteria: ICSL Variant Classification Criteria 13 December 2019. Collection method: clinical testing. Allele origin: germline.